The following is an entry in ClinVar:

NM_001114753.3(ENG):c.895C>G (p.Leu299Val)

Gene: ENG (endoglin; minus strand). Cytogenetic location: 9q34.11.
Variant type: single nucleotide variant.
Coding change: c.895C>G on transcript NM_001114753.3 (MANE Select); coding-DNA position 895, C replaced by G.
Protein change: p.Leu299Val; replaces leucine 299 with valine.
Molecular consequence: missense variant.
Genome position (GRCh38, 1-based): chr9:127,824,896, G>C on the plus strand (C>G on the coding strand, the complement: ENG is on the minus strand). VCF-style: chr9-127824896-G-C. GRCh37 (hg19) VCF-style: chr9-130587175-G-C.
Other names: c.895C>G, p.Leu299Val (NM_000118.4, NM_001406715.1); c.349C>G, p.Leu117Val (NM_001278138.2); short protein forms L299V, L117V.
Identifiers: ClinVar variation 2832743 (VCV002832743.3), dbSNP rs2539073045, ClinGen allele CA374982480.

ClinVar aggregate classification (germline): Likely pathogenic (1 of 4 stars; one submission).

Conditions:
Hereditary hemorrhagic telangiectasia (HHT). Also called: ORW DISEASE; Osler Weber Rendu syndrome; OSLER-RENDU-WEBER DISEASE; Osler hemorrhagic telangiectasia syndrome. Identifiers: Orphanet 774, MedGen C0039445, MONDO:0019180. Disease mechanism: loss of function.

Submission:

Labcorp Genetics (formerly Invitae), Labcorp
Classification: Likely pathogenic for Hereditary hemorrhagic telangiectasia. Last evaluated: 2023-02-01. Review status: criteria provided, single submitter. Criteria: Invitae Variant Classification Sherloc (09022015). Collection method: clinical testing. Allele origin: germline.
Comment: This sequence change replaces leucine, which is neutral and non-polar, with valine, which is neutral and non-polar, at codon 299 of the ENG protein (p.Leu299Val). In summary, the currently available evidence indicates that the variant is pathogenic, but additional data are needed to prove that conclusively. Therefore, this variant has been classified as Likely Pathogenic. This variant disrupts the p.Leu299 amino acid residue in ENG. Other variant(s) that disrupt this residue have been determined to be pathogenic (PMID: 32573726; Invitae). This suggests that this residue is clinically significant, and that variants that disrupt this residue are likely to be disease-causing. Advanced modeling of protein sequence and biophysical properties (such as structural, functional, and spatial information, amino acid conservation, physicochemical variation, residue mobility, and thermodynamic stability) performed at Invitae indicates that this missense variant is expected to disrupt ENG protein function. This variant has not been reported in the literature in individuals affected with ENG-related conditions. This variant is not present in population databases (gnomAD no frequency).

Literature cited by the submitters: PubMed 32573726.